The following is an entry in ClinVar:

ClinVar aggregate classification (germline): Likely benign. Review status: criteria provided, single submitter (1 of 4 stars). 2 submissions from 2 submitters: Likely benign (1). 1 of the submissions does not count toward it. Last evaluated 2026-01-27.

Conditions:
ACOX2-related disorder. Also called: ACOX2-related condition.

Allele frequency attached by ClinVar (database versions not stated): gnomAD exomes 0.00030; ExAC 0.00038; 1000 Genomes Project 30x 0.00047; 1000 Genomes Project 0.00060; gnomAD 0.00088 and 0.00095; TOPMed 0.00108; ESP Exome Variant Server 0.00115.
gnomAD v4.1: 287 of 1,614,212 alleles (0.018%); highest among the groups gnomAD compares: African/African-American, 0.33%; no homozygotes.

Submissions (2):

Labcorp Genetics (formerly Invitae), Labcorp
Classification: Likely benign. Last evaluated: 2026-01-27. Review status: criteria provided, single submitter. Criteria: Invitae Variant Classification Sherloc (09022015). Collection method: clinical testing. Allele origin: germline.

PreventionGenetics, part of Exact Sciences
Classification: Likely benign for ACOX2-related condition. Last evaluated: 2022-02-14. Review status: no assertion criteria provided. Collection method: clinical testing. Allele origin: germline. Not counted in ClinVar's aggregate classification.
Comment: This variant is classified as likely benign based on ACMG/AMP sequence variant interpretation guidelines (Richards et al. 2015 PMID: 25741868, with internal and published modifications).

NM_003500.4(ACOX2):c.946G>A (p.Ala316Thr)

Gene: ACOX2 (acyl-CoA oxidase 2; minus strand). Cytogenetic location: 3p14.3.
Variant type: single nucleotide variant.
Coding change: c.946G>A on transcript NM_003500.4 (MANE Select); coding-DNA position 946, G replaced by A.
Protein change: p.Ala316Thr; replaces alanine 316 with threonine.
Molecular consequence: missense variant.
Genome position (GRCh38, 1-based): chr3:58,530,512, C>T on the plus strand (G>A on the coding strand, the complement: ACOX2 is on the minus strand). VCF-style: chr3-58530512-C-T. GRCh37 (hg19) VCF-style: chr3-58516239-C-T.
Other names: c.946G>A (NM_003500.3); short protein forms A316T.
Identifiers: ClinVar variation 1635983 (VCV001635983.10), dbSNP rs112279882, ClinGen allele CA2472228.
Genomic context (GRCh38, chr3:58,530,512, plus strand): 5'-TGGGCACCCCTTGCCTGGGCCGGAGCCGGGATTGGCGGCGGATGACCGAGTAGCGCATGG[C>T]GATGACACAGGCCTTCTGCAGTATAGGGAGGATCTCCCCTGACAGCAGCTCCACCCGCAC-3'
Protein context (NP_003491.1, residues 306-326): LPILQKACVI[Ala316Thr]MRYSVIRRQS